The following is an entry in ClinVar:

ClinVar aggregate classification (germline): Uncertain significance (1 of 4 stars; one submission).

Allele frequency attached by ClinVar (database versions not stated): TOPMed below 0.00001; gnomAD exomes 0.00001.
gnomAD v4.1: 9 of 1,614,214 alleles (0.00056%); highest among the groups gnomAD compares: Admixed American, 0.0017%; no homozygotes.

Submission:

Labcorp Genetics (formerly Invitae), Labcorp
Classification: Uncertain significance. Last evaluated: 2022-04-30. Review status: criteria provided, single submitter. Criteria: Invitae Variant Classification Sherloc (09022015). Collection method: clinical testing. Allele origin: germline.
Comment: In summary, the available evidence is currently insufficient to determine the role of this variant in disease. Therefore, it has been classified as a Variant of Uncertain Significance. Algorithms developed to predict the effect of missense changes on protein structure and function are either unavailable or do not agree on the potential impact of this missense change (SIFT: "Tolerated"; PolyPhen-2: "Possibly Damaging"; Align-GVGD: "Class C0"). This variant has not been reported in the literature in individuals affected with MYO1E-related conditions. This variant is not present in population databases (gnomAD no frequency). This sequence change replaces lysine, which is basic and polar, with glutamine, which is neutral and polar, at codon 1048 of the MYO1E protein (p.Lys1048Gln).

NM_004998.4(MYO1E):c.3142A>C (p.Lys1048Gln)

Genes: MYO1E (myosin IE; minus strand), LOC112272600 (Sharpr-MPRA regulatory region 4265; plus strand). Cytogenetic location: 15q22.2.
Variant type: single nucleotide variant.
Coding change: c.3142A>C on transcript NM_004998.4 (MANE Select); coding-DNA position 3142, A replaced by C.
Protein change: p.Lys1048Gln; replaces lysine 1048 with glutamine.
Molecular consequence: missense variant.
Genome position (GRCh38, 1-based): chr15:59,138,306, T>G on the plus strand (A>C on the coding strand, the complement: MYO1E is on the minus strand). VCF-style: chr15-59138306-T-G. GRCh37 (hg19) VCF-style: chr15-59430505-T-G.
Other names: short protein forms K1048Q.
Identifiers: ClinVar variation 2132221 (VCV002132221.4), dbSNP rs2079386086, ClinGen allele CA392648697.